The following is an entry in ClinVar:

NM_001267550.2(TTN):c.94220-1G>T

Genes: TTN-AS1 (TTN antisense RNA 1; plus strand), TTN (titin; minus strand). Cytogenetic location: 2q31.2.
Variant type: single nucleotide variant.
Coding change: c.94220-1G>T on transcript NM_001267550.2 (MANE Select); the canonical splice acceptor site of the intron before coding-DNA position 94220, G replaced by T.
Molecular consequence: splice acceptor variant.
Genome position (GRCh38, 1-based): chr2:178,547,306, C>A on the plus strand (G>T on the coding strand, the complement: TTN is on the minus strand). VCF-style: chr2-178547306-C-A. GRCh37 (hg19) VCF-style: chr2-179412033-C-A.
Other names: c.67025-1G>T (NM_003319.4); c.67601-1G>T (NM_133437.4); c.67400-1G>T (NM_133432.3); c.86516-1G>T (NM_133378.4); c.89297-1G>T (NM_001256850.1).
Identifiers: ClinVar variation 3757825 (VCV003757825.2).

ClinVar aggregate classification (germline): Likely pathogenic (1 of 4 stars; one submission).

Conditions:
Dilated cardiomyopathy 1G (CMD1G). Identifiers: Orphanet 154, MedGen C1858763, MONDO:0011400, OMIM 604145.
Autosomal recessive limb-girdle muscular dystrophy type 2J (LGMDR10). Also called: Limb-girdle muscular dystrophy, type 2J; MUSCULAR DYSTROPHY, LIMB-GIRDLE, AUTOSOMAL RECESSIVE 10. Identifiers: Orphanet 140922, MedGen C1837342, MONDO:0012127, OMIM 608807.

Submission:

Labcorp Genetics (formerly Invitae), Labcorp
Classification: Likely pathogenic for Dilated cardiomyopathy 1G; Autosomal recessive limb-girdle muscular dystrophy type 2J. Last evaluated: 2024-09-01. Review status: criteria provided, single submitter. Criteria: Invitae Variant Classification Sherloc (09022015). Collection method: clinical testing. Allele origin: germline.
Comment: This sequence change affects an acceptor splice site in intron 339 of the TTN gene. It is expected to disrupt RNA splicing and likely results in a truncated or disrupted TTN protein. This variant is not present in population databases (gnomAD no frequency). This variant has not been reported in the literature in individuals affected with TTN-related conditions. Algorithms developed to predict the effect of sequence changes on RNA splicing suggest that this variant may disrupt the consensus splice site. This variant is located in the A band of TTN (PMID: 25589632). Truncating variants in this region are significantly overrepresented in patients affected with dilated cardiomyopathy (PMID: 25589632). Truncating variants in this region have also been reported in individuals affected with autosomal recessive centronuclear myopathy (PMID: 23975875). In summary, the currently available evidence indicates that the variant is pathogenic, but additional data are needed to prove that conclusively. Therefore, this variant has been classified as Likely Pathogenic.

Literature cited by the submitters: PubMed 25589632; PubMed 23975875.